The following is an entry in ClinVar:

ClinVar aggregate classification (germline): Likely pathogenic (1 of 4 stars; one submission).

Conditions:
Lethal congenital contractural syndrome Finnish type.

Submission:

Natera, Inc.
Classification: Likely pathogenic for Lethal congenital contractural syndrome Finnish type. Last evaluated: 2025-05-05. Review status: criteria provided, single submitter. Criteria: Natera Variant Classification Schema (03/2026). Collection method: clinical testing. Allele origin: germline.
Comment: The c.100-1G>A variant in GLE1 is a canonical splice acceptor site variant predicted to affect pre-mRNA splicing, which may result in an abnormal transcript and altered protein product. This variant is expected to result in nonsense mediated decay, truncation, or a dysfunctional protein product. This variant is rare in the general population with a frequency below the threshold expected for the associated phenotype(s). Given the available evidence, this variant is classified as Likely Pathogenic.

NM_001003722.2(GLE1):c.100-1G>A

Gene: GLE1 (GLE1 RNA export mediator; plus strand). Cytogenetic location: 9q34.11.
Variant type: single nucleotide variant.
Coding change: c.100-1G>A on transcript NM_001003722.2 (MANE Select); the canonical splice acceptor site of the intron before coding-DNA position 100, G replaced by A.
Molecular consequence: splice acceptor variant.
Genome position (GRCh38, 1-based): chr9:128,508,875, G>A. VCF-style: chr9-128508875-G-A. GRCh37 (hg19) VCF-style: chr9-131271154-G-A.
Other names: c.100-1G>A (NM_001499.2, NM_001411013.1).
Identifiers: ClinVar variation 4814487 (VCV004814487.1).